The following is an entry in ClinVar:

ClinVar aggregate classification (germline): Uncertain significance (1 of 4 stars; one submission).

Conditions:
Hereditary cancer-predisposing syndrome. Also called: Neoplastic Syndromes, Hereditary; Tumor predisposition; Hereditary neoplastic syndrome; Hereditary Cancer Syndrome. Identifiers: Orphanet 140162, MedGen C0027672, MeSH D009386, MONDO:0015356.

Submission:

Ambry Genetics
Classification: Uncertain significance for Hereditary cancer-predisposing syndrome. Last evaluated: 2022-11-24. Review status: criteria provided, single submitter. Criteria: Ambry Variant Classification Scheme 2023. Collection method: clinical testing. Allele origin: germline.
Comment: The p.T1220M variant (also known as c.3659C>T), located in coding exon 24 of the RAD50 gene, results from a C to T substitution at nucleotide position 3659. The threonine at codon 1220 is replaced by methionine, an amino acid with similar properties. This amino acid position is conserved. In addition, the in silico prediction for this alteration is inconclusive. Since supporting evidence is limited at this time, the clinical significance of this alteration remains unclear.

NM_005732.4(RAD50):c.3659C>T (p.Thr1220Met)

Genes: TH2LCRR (T helper type 2 locus control region associated RNA; minus strand), RAD50 (RAD50 double strand break repair protein; plus strand), TH2-LCR (Th2 cytokine locus control region; plus strand). Cytogenetic location: 5q31.1.
Variant type: single nucleotide variant.
Coding change: c.3659C>T on transcript NM_005732.4 (MANE Select); coding-DNA position 3659, C replaced by T.
Protein change: p.Thr1220Met; replaces threonine 1220 with methionine.
Molecular consequence: missense variant.
Genome position (GRCh38, 1-based): chr5:132,640,712, C>T. VCF-style: chr5-132640712-C-T. GRCh37 (hg19) VCF-style: chr5-131976404-C-T.
Other names: short protein forms T1220M.
Identifiers: ClinVar variation 2451407 (VCV002451407.2), dbSNP rs2149865621, ClinGen allele CA360933948.